The following is an entry in ClinVar:

NM_007254.4(PNKP):c.136T>G (p.Cys46Gly)

Gene: PNKP (polynucleotide kinase 3'-phosphatase; minus strand). Cytogenetic location: 19q13.33.
Variant type: single nucleotide variant.
Coding change: c.136T>G on transcript NM_007254.4 (MANE Select); coding-DNA position 136, T replaced by G.
Protein change: p.Cys46Gly; replaces cysteine 46 with glycine.
Molecular consequence: missense variant.
Genome position (GRCh38, 1-based): chr19:49,867,069, A>C on the plus strand (T>G on the coding strand, the complement: PNKP is on the minus strand). VCF-style: chr19-49867069-A-C. GRCh37 (hg19) VCF-style: chr19-50370326-A-C.
Other names: short protein forms C46G.
Identifiers: ClinVar variation 3378189 (VCV003378189.1).
Genomic context (GRCh38, chr19:49,867,069, plus strand): 5'-GCTTTTGCAGCAGGCCACACCCCCTCCAGCTCAGGCCCCGCTCACCTTGAGTTCTGGAGC[A>C]CTTCCGGTCCGTAACCTGGGTCAGGGGTCCCCTGCCCAGGACCAGGGCTTGCCCGTCCGA-3'
Protein context (NP_009185.2, residues 36-56): GPLTQVTDRK[Cys46Gly]SRTQVELVAD

ClinVar aggregate classification (germline): Likely pathogenic (1 of 4 stars; one submission).

gnomAD v4.1: 2 of 1,613,716 alleles (0.00012%); highest among the groups gnomAD compares: Non-Finnish European, 0.00017%; no homozygotes.

Submission:

GeneDx
Classification: Likely pathogenic. Last evaluated: 2024-05-16. Review status: criteria provided, single submitter. Criteria: GeneDx Variant Classification Process June 2021. Collection method: clinical testing. Allele origin: germline. Affected: yes.
Comment: In silico analysis supports that this missense variant has a deleterious effect on protein structure/function; Not observed at significant frequency in large population cohorts (gnomAD); Has not been previously published as pathogenic or benign to our knowledge; This variant is associated with the following publications: (PMID: 22508754)